The following is an entry in ClinVar:

ClinVar aggregate classification (germline): Conflicting classifications of pathogenicity. Review status: criteria provided, conflicting classifications (1 of 4 stars). 4 submissions from 4 submitters: Uncertain significance (3); Likely benign (1). Last evaluated 2025-10-14.

Conditions:
Inborn genetic diseases. Identifiers: MedGen C0950123, MeSH D030342.
Acute myeloid leukemia (AML). Also called: Leukemia, acute myeloid, somatic; Leukemia, acute myelogenous, somatic; Acute myeloid leukemia, adult; AML adult; Acute non-lymphocytic leukemia; Acute granulocytic leukemia. Identifiers: Orphanet 519, MedGen C0023467, MeSH D015470, MONDO:0018874, OMIM 601626, HP:0004808. Disease mechanism: Constitutively activated FLT3.

Allele frequency attached by ClinVar (database versions not stated): ExAC below 0.00001; TOPMed 0.00002; gnomAD 0.00003 and 0.00004.
gnomAD v4.1: 71 of 1,444,136 alleles (0.0049%); highest among the groups gnomAD compares: Non-Finnish European, 0.0061%; 1 homozygote.

Submissions (4):

Labcorp Genetics (formerly Invitae), Labcorp
Classification: Uncertain significance for Acute myeloid leukemia. Last evaluated: 2025-10-14. Review status: criteria provided, single submitter. Criteria: Invitae Variant Classification Sherloc (09022015). Collection method: clinical testing. Allele origin: germline.
Comment: This sequence change replaces glycine, which is neutral and non-polar, with aspartic acid, which is acidic and polar, at codon 36 of the CEBPA protein (p.Gly36Asp). This variant is present in population databases (rs746522150, gnomAD 0.007%). This variant has not been reported in the literature in individuals affected with CEBPA-related conditions. ClinVar contains an entry for this variant (Variation ID: 456669). An algorithm developed to predict the effect of missense changes on protein structure and function outputs the following: PolyPhen-2: "Benign". The aspartic acid amino acid residue is found in multiple mammalian species, which suggests that this missense change does not adversely affect protein function. In summary, the available evidence is currently insufficient to determine the role of this variant in disease. Therefore, it has been classified as a Variant of Uncertain Significance.

Ambry Genetics
Classification: Likely benign for Inborn genetic diseases. Last evaluated: 2025-01-10. Review status: criteria provided, single submitter. Criteria: Ambry Variant Classification Scheme 2023. Collection method: clinical testing. Allele origin: germline.

St. Jude Molecular Pathology, St. Jude Children's Research Hospital
Classification: Uncertain significance for Acute myeloid leukemia. Last evaluated: 2023-04-14. Review status: criteria provided, single submitter. Criteria: St. Jude Assertion Criteria 2020. Collection method: clinical testing. Allele origin: germline.
Comment: The CEBPA c.107G>A (p.Gly36Asp) missense change has a maximum subpopulation frequency of 0.0073% in gnomAD v2.1.1, however this data may be unreliable due to poor data quality at this location. The in silico tool REVEL predicts a benign effect on protein function, but to our knowledge this prediction has not been confirmed by functional studies. To our knowledge, this variant has not been reported in individuals with familial acute myeloid leukemia. In summary, the evidence currently available is insufficient to determine the clinical significance of this variant. It has therefore been classified as of uncertain significance.

GeneDx
Classification: Uncertain significance. Last evaluated: 2022-04-13. Review status: criteria provided, single submitter. Criteria: GeneDx Variant Classification Process June 2021. Collection method: clinical testing. Allele origin: germline. Affected: yes.
Comment: In silico analysis supports that this missense variant does not alter protein structure/function; Has not been previously published as pathogenic or benign to our knowledge

NM_004364.5(CEBPA):c.107G>A (p.Gly36Asp)

Gene: CEBPA (CCAAT enhancer binding protein alpha; minus strand). Cytogenetic location: 19q13.11.
Variant type: single nucleotide variant.
Coding change: c.107G>A on transcript NM_004364.5 (MANE Select); coding-DNA position 107, G replaced by A.
Protein change: p.Gly36Asp; replaces glycine 36 with aspartic acid.
Molecular consequence: missense variant. On other transcripts: 5 prime UTR variant (1).
Genome position (GRCh38, 1-based): chr19:33,302,308, C>T on the plus strand (G>A on the coding strand, the complement: CEBPA is on the minus strand). VCF-style: chr19-33302308-C-T. GRCh37 (hg19) VCF-style: chr19-33793214-C-T.
Other names: c.-251G>A (NM_001285829.2); c.212G>A, p.Gly71Asp (NM_001287424.2); c.65G>A, p.Gly22Asp (NM_001287435.2); short protein forms G36D, G71D, G22D.
Identifiers: ClinVar variation 456669 (VCV000456669.17), dbSNP rs746522150, ClinGen allele CA9363718.